The following is an entry in ClinVar:

ClinVar aggregate classification (germline): Uncertain significance. Review status: criteria provided, multiple submitters, no conflicts (2 of 4 stars). 3 submissions from 3 submitters: Uncertain significance (3). Last evaluated 2025-12-22.

Conditions:
Hypertrophic cardiomyopathy. Also called: HYPERTROPHIC MYOCARDIOPATHY. Identifiers: Orphanet 217569, MedGen C0007194, MeSH D002312, MONDO:0005045, HP:0001639.
Cardiovascular phenotype. Identifiers: MedGen CN230736.

Submissions (3):

Labcorp Genetics (formerly Invitae), Labcorp
Classification: Uncertain significance for Hypertrophic cardiomyopathy. Last evaluated: 2025-12-22. Review status: criteria provided, single submitter. Criteria: Invitae Variant Classification Sherloc (09022015). Collection method: clinical testing. Allele origin: germline.
Comment: This sequence change replaces serine, which is neutral and polar, with threonine, which is neutral and polar, at codon 180 of the MYH7 protein (p.Ser180Thr). This variant is not present in population databases (gnomAD no frequency). This variant has not been reported in the literature in individuals affected with MYH7-related conditions. ClinVar contains an entry for this variant (Variation ID: 431872). Invitae Evidence Modeling of protein sequence and biophysical properties (such as structural, functional, and spatial information, amino acid conservation, physicochemical variation, residue mobility, and thermodynamic stability) indicates that this missense variant is expected to disrupt MYH7 protein function with a positive predictive value of 95%. In summary, the available evidence is currently insufficient to determine the role of this variant in disease. Therefore, it has been classified as a Variant of Uncertain Significance.

Ambry Genetics
Classification: Uncertain significance for Cardiovascular phenotype. Last evaluated: 2016-08-12. Review status: criteria provided, single submitter. Criteria: Ambry Variant Classification Scheme 2023. Collection method: clinical testing. Allele origin: germline.
Comment: The p.S180T variant (also known as c.538T>A), located in coding exon 5 of the MYH7 gene, results from a T to A substitution at nucleotide position 538. The serine at codon 180 is replaced by threonine, an amino acid with some similar properties. This variant was not reported in population based cohorts in the following databases: Database of Single Nucleotide Polymorphisms (dbSNP), NHLBI Exome Sequencing Project (ESP), and 1000 Genomes Project. In the ESP, this variant was not observed in 6503 samples (13006 alleles) with coverage at this position. This amino acid position is highly conserved in available vertebrate species. In addition, this alteration is predicted to be deleterious by in silico analysis. Since supporting evidence is limited at this time, the clinical significance of this alteration remains unclear.

GeneDx
Classification: Uncertain significance. Last evaluated: 2016-06-13. Review status: criteria provided, single submitter. Criteria: GeneDx Variant Classification (06012015). Collection method: clinical testing. Allele origin: germline. Affected: yes.
Comment: The S180Tvariant has not been published as a pathogenic variant, nor has it been reported as a benign variant toour knowledge. The S180T variant was not observed in approximately 6,500 individuals of Europeanand African American ancestry in the NHLBI Exome Sequencing Project, indicating it is not acommon benign variant in these populations. This substitution occurs at a position that is conservedacross species. Missense variants in nearby residues (T177I, G178R, V186L, N187K, T188N) havebeen reported in the Human Gene Mutation Database in association with hypertrophiccardiomyopathy (HCM) (Stenson et al., 2014). Nevertheless, the S180T variant is a conservativeamino acid substitution, which is not likely to impact secondary protein structure as these residuesshare similar properties. Furthermore, in silico analysis is inconsistent in its predictions as to whetheror not the variant is damaging to the protein structure/function.

NM_000257.4(MYH7):c.538T>A (p.Ser180Thr)

Gene: MYH7 (myosin heavy chain 7; minus strand). Cytogenetic location: 14q11.2.
Variant type: single nucleotide variant.
Coding change: c.538T>A on transcript NM_000257.4 (MANE Select); coding-DNA position 538, T replaced by A.
Protein change: p.Ser180Thr; replaces serine 180 with threonine.
Molecular consequence: missense variant.
Genome position (GRCh38, 1-based): chr14:23,431,862, A>T on the plus strand (T>A on the coding strand, the complement: MYH7 is on the minus strand). VCF-style: chr14-23431862-A-T. GRCh37 (hg19) VCF-style: chr14-23901071-A-T.
Other names: c.538T>A (LRG_384t1); short protein forms S180T.
Identifiers: ClinVar variation 431872 (VCV000431872.12), dbSNP rs1555338704, ClinGen allele CA389052591.
Genomic context (GRCh38, chr14:23,431,862, plus strand): 5'-CTGCAATAACAGCAAAGTACTGGATGACCCTCTTGGTGTTGACTGTCTTCCCTGCTCCGG[A>T]TTCTCCGCTGTGAAGACAGGGGCTTATTGGGCAGTGAACAATACTACTGGAGACCAGCAA-3'
Protein context (NP_000248.2, residues 170-190): ENQSILITGE[Ser180Thr]GAGKTVNTKR